The following is an entry in ClinVar:

NM_001387430.1(SH2B1):c.343G>A (p.Gly115Arg)

Gene: SH2B1 (SH2B adaptor protein 1; plus strand). Cytogenetic location: 16p11.2.
Variant type: single nucleotide variant.
Coding change: c.343G>A on transcript NM_001387430.1 (MANE Select); coding-DNA position 343, G replaced by A.
Protein change: p.Gly115Arg; replaces glycine 115 with arginine.
Molecular consequence: missense variant. On other transcripts: intron variant (1).
Genome position (GRCh38, 1-based): chr16:28,866,437, G>A. VCF-style: chr16-28866437-G-A. GRCh37 (hg19) VCF-style: chr16-28877758-G-A.
Other names: c.343G>A, p.Gly115Arg (NM_001145795.2, NM_001145796.2, NM_001145797.2 and 4 more transcripts); c.-26-937G>A (NM_001308294.2); short protein forms G115R.
Identifiers: ClinVar variation 3356202 (VCV003356202.1).

ClinVar aggregate classification (germline): Uncertain significance (0 of 4 stars; one submission).

Conditions:
SH2B1-related disorder. Also called: SH2B1-related condition.

gnomAD v4.1: 37 of 1,613,844 alleles (0.0023%); highest among the groups gnomAD compares: Non-Finnish European, 0.0031%; no homozygotes.

Submission:

PreventionGenetics, part of Exact Sciences
Classification: Uncertain significance for SH2B1-related condition. Last evaluated: 2024-09-23. Review status: no assertion criteria provided. Collection method: clinical testing. Allele origin: germline.
Comment: The SH2B1 c.343G>A variant is predicted to result in the amino acid substitution p.Gly115Arg. To our knowledge, this variant has not been reported in the literature or in a large population database, indicating this variant is rare. At this time, the clinical significance of this variant is uncertain due to the absence of conclusive functional and genetic evidence.